The following is an entry in ClinVar:

ClinVar aggregate classification (germline): Uncertain significance (1 of 4 stars; one submission).

Submission:

Dasa
Classification: Uncertain significance. Last evaluated: 2025-08-19. Review status: criteria provided, single submitter. Criteria: DASA Assertion Criteria. Collection method: clinical testing. Allele origin: germline.
Comment: NM_001363759.2(SPTAN1):c.6745G>A (p.Glu2249Lys) is a missense variant that results in the substitution of glutamic acid with lysine. This variant is absent from population databases. The currently available literature and clinical evidence are not sufficient to establish a definitive association between this variant and the reported condition. Therefore, this variant is classified as a variant of uncertain significance.

NM_001130438.3(SPTAN1):c.6708-1159G>A

Gene: SPTAN1 (spectrin alpha, non-erythrocytic 1; plus strand). Cytogenetic location: 9q34.11.
Variant type: single nucleotide variant.
Coding change: c.6708-1159G>A on transcript NM_001130438.3 (MANE Select); 1159 bases into the intron before coding-DNA position 6708, G replaced by A.
Molecular consequence: intron variant. On other transcripts: missense variant (4).
Genome position (GRCh38, 1-based): chr9:128,629,162, G>A. VCF-style: chr9-128629162-G-A. GRCh37 (hg19) VCF-style: chr9-131391441-G-A.
Other names: c.6745G>A, p.Glu2249Lys (NM_001363759.2); c.6781G>A, p.Glu2261Lys (NM_001375318.1); c.6670G>A, p.Glu2224Lys (NM_001438444.1); c.6730G>A, p.Glu2244Lys (NM_001438445.1); c.6744-1159G>A (NM_001375312.2, NM_001438440.1); c.6708-1159G>A (NM_001375311.2); c.6648-1159G>A (NM_001375314.2, NM_001363765.2); c.6795-1159G>A (NM_001375310.1); and 6 more; short protein forms E2224K, E2244K, E2249K, E2261K.
Identifiers: ClinVar variation 4881496 (VCV004881496.2).